The following is an entry in ClinVar:

NM_001985.3(ETFB):c.598-14C>T

Gene: ETFB (electron transfer flavoprotein subunit beta; minus strand). Cytogenetic location: 19q13.41.
Variant type: single nucleotide variant.
Coding change: c.598-14C>T on transcript NM_001985.3 (MANE Select); 14 bases into the intron before coding-DNA position 598, C replaced by T.
Molecular consequence: intron variant.
Genome position (GRCh38, 1-based): chr19:51,345,395, G>A on the plus strand (C>T on the coding strand, the complement: ETFB is on the minus strand). VCF-style: chr19-51345395-G-A. GRCh37 (hg19) VCF-style: chr19-51848649-G-A.
Other names: c.871-14C>T (NM_001014763.1).
Identifiers: ClinVar variation 512089 (VCV000512089.6), dbSNP rs750381743, ClinGen allele CA9610701.

ClinVar aggregate classification (germline): Likely benign. Review status: criteria provided, multiple submitters, no conflicts (2 of 4 stars). 2 submissions from 2 submitters: Likely benign (2). Last evaluated 2026-01-13.

Conditions:
Multiple acyl-CoA dehydrogenase deficiency (MADD). Also called: Glutaric aciduria, type 2; Glutaric Acidemia type 2; Glutaric acidemia type II; GA 2; ETHYLMALONIC-ADIPICACIDURIA; GA II. Identifiers: Orphanet 26791, MedGen C0268596, MONDO:0009282, OMIM 231680.

Allele frequency attached by ClinVar (database versions not stated): ExAC 0.00001; gnomAD 0.00001 and 0.00002; TOPMed 0.00003; gnomAD exomes 0.00004.
gnomAD v4.1: 164 of 1,613,908 alleles (0.01%); highest among the groups gnomAD compares: Non-Finnish European, 0.013%; no homozygotes.

Submissions (2):

Labcorp Genetics (formerly Invitae), Labcorp
Classification: Likely benign for Multiple acyl-CoA dehydrogenase deficiency. Last evaluated: 2026-01-13. Review status: criteria provided, single submitter. Criteria: Invitae Variant Classification Sherloc (09022015). Collection method: clinical testing. Allele origin: germline.

GeneDx
Classification: Likely benign. Last evaluated: 2017-10-03. Review status: criteria provided, single submitter. Criteria: GeneDx Variant Classification (06012015). Collection method: clinical testing. Allele origin: germline. Affected: yes.
Comment: This variant is considered likely benign or benign based on one or more of the following criteria: it is a conservative change, it occurs at a poorly conserved position in the protein, it is predicted to be benign by multiple in silico algorithms, and/or has population frequency not consistent with disease.